The following is an entry in ClinVar:

ClinVar aggregate classification (germline): Uncertain significance. Review status: criteria provided, multiple submitters, no conflicts (2 of 4 stars). 4 submissions from 4 submitters: Uncertain significance (3). 1 of the submissions does not count toward it. Last evaluated 2023-05-01.

Conditions:
Glycogen storage disease type III (GSD3). Also called: Cori disease; FORBES DISEASE. Identifiers: Orphanet 366, MedGen C0017922, MONDO:0009291, OMIM 232400.

Allele frequency attached by ClinVar (database versions not stated): gnomAD exomes below 0.00001; gnomAD 0.00001.
gnomAD v4.1: 2 of 1,613,908 alleles (0.00012%); highest among the groups gnomAD compares: African/African-American, 0.0013%; no homozygotes.

Submissions (4):

CeGaT Center for Human Genetics Tuebingen
Classification: Uncertain significance. Last evaluated: 2023-05-01. Review status: criteria provided, single submitter. Criteria: CeGaT Center For Human Genetics Tuebingen Variant Classification Criteria Version 2. Collection method: clinical testing. Allele origin: germline. Affected: yes. Observed: 1 variant allele.
Comment: AGL: PM2

Genome-Nilou Lab
Classification: Uncertain significance for Glycogen storage disease type III. Last evaluated: 2023-04-11. Review status: criteria provided, single submitter. Criteria: ACMG Guidelines, 2015. Collection method: clinical testing. Allele origin: germline. Affected: no.

Labcorp Genetics (formerly Invitae), Labcorp
Classification: Uncertain significance for Glycogen storage disease type III. Last evaluated: 2021-08-31. Review status: criteria provided, single submitter. Criteria: Invitae Variant Classification Sherloc (09022015). Collection method: clinical testing. Allele origin: germline.
Comment: This sequence change replaces serine with isoleucine at codon 738 of the AGL protein (p.Ser738Ile). The serine residue is weakly conserved and there is a large physicochemical difference between serine and isoleucine. This variant is not present in population databases (ExAC no frequency). This variant has not been reported in the literature in individuals affected with AGL-related conditions. Algorithms developed to predict the effect of missense changes on protein structure and function (SIFT, PolyPhen-2, Align-GVGD) all suggest that this variant is likely to be tolerated. In summary, the available evidence is currently insufficient to determine the role of this variant in disease. Therefore, it has been classified as a Variant of Uncertain Significance.

Natera, Inc.
Classification: Uncertain significance for Glycogen storage disease type III. Last evaluated: 2021-04-12. Review status: no assertion criteria provided. Collection method: clinical testing. Allele origin: germline. Not counted in ClinVar's aggregate classification.

NM_000642.3(AGL):c.2213G>T (p.Ser738Ile)

Gene: AGL (amylo-alpha-1,6-glucosidase and 4-alpha-glucanotransferase; plus strand). Cytogenetic location: 1p21.2.
Variant type: single nucleotide variant.
Coding change: c.2213G>T on transcript NM_000642.3 (MANE Select); coding-DNA position 2213, G replaced by T.
Protein change: p.Ser738Ile; replaces serine 738 with isoleucine.
Molecular consequence: missense variant.
Genome position (GRCh38, 1-based): chr1:99,881,596, G>T. VCF-style: chr1-99881596-G-T. GRCh37 (hg19) VCF-style: chr1-100347152-G-T.
Other names: c.2213G>T, p.Ser738Ile (NM_000028.3, NM_000643.3, NM_000644.3 and 2 more transcripts); c.2165G>T, p.Ser722Ile (NM_000646.3); c.2012G>T, p.Ser671Ile (NM_001425327.1); c.2009G>T, p.Ser670Ile (NM_001425328.1, NM_001425329.1); c.1835G>T, p.Ser612Ile (NM_001425332.1); short protein forms S722I, S738I, S612I, S670I, S671I.
Identifiers: ClinVar variation 860353 (VCV000860353.38), dbSNP rs1652034728, ClinGen allele CA341319863.